The following is an entry in ClinVar:

ClinVar aggregate classification (germline): Uncertain significance. Review status: criteria provided, multiple submitters, no conflicts (2 of 4 stars). 2 submissions from 2 submitters: Uncertain significance (2). Last evaluated 2023-11-06.

Conditions:
Hypertrophic cardiomyopathy. Also called: HYPERTROPHIC MYOCARDIOPATHY. Identifiers: Orphanet 217569, MedGen C0007194, MeSH D002312, MONDO:0005045, HP:0001639.

Allele frequency attached by ClinVar (database versions not stated): gnomAD exomes below 0.00001; gnomAD 0.00003; TOPMed 0.00005.
gnomAD v4.1: 13 of 1,612,682 alleles (0.00081%); highest among the groups gnomAD compares: Admixed American, 0.0067%; no homozygotes.

Submissions (2):

Ambry Genetics
Classification: Uncertain significance. Last evaluated: 2023-11-06. Review status: criteria provided, single submitter. Criteria: Ambry Variant Classification Scheme 2023. Collection method: clinical testing. Allele origin: germline.

Labcorp Genetics (formerly Invitae), Labcorp
Classification: Uncertain significance for Hypertrophic cardiomyopathy. Last evaluated: 2023-01-15. Review status: criteria provided, single submitter. Criteria: Invitae Variant Classification Sherloc (09022015). Collection method: clinical testing. Allele origin: germline.
Comment: This sequence change replaces glutamic acid, which is acidic and polar, with alanine, which is neutral and non-polar, at codon 1143 of the MYOM1 protein (p.Glu1143Ala). This variant is present in population databases (rs199816352, gnomAD 0.004%). This variant has not been reported in the literature in individuals affected with MYOM1-related conditions. ClinVar contains an entry for this variant (Variation ID: 1731322). Advanced modeling of protein sequence and biophysical properties (such as structural, functional, and spatial information, amino acid conservation, physicochemical variation, residue mobility, and thermodynamic stability) has been performed at Invitae for this missense variant, however the output from this modeling did not meet the statistical confidence thresholds required to predict the impact of this variant on MYOM1 protein function. In summary, the available evidence is currently insufficient to determine the role of this variant in disease. Therefore, it has been classified as a Variant of Uncertain Significance.

NM_003803.4(MYOM1):c.3428A>C (p.Glu1143Ala)

Gene: MYOM1 (myomesin 1; minus strand). Cytogenetic location: 18p11.31.
Variant type: single nucleotide variant.
Coding change: c.3428A>C on transcript NM_003803.4 (MANE Select); coding-DNA position 3428, A replaced by C.
Protein change: p.Glu1143Ala; replaces glutamic acid 1143 with alanine.
Molecular consequence: missense variant.
Genome position (GRCh38, 1-based): chr18:3,102,621, T>G on the plus strand (A>C on the coding strand, the complement: MYOM1 is on the minus strand). VCF-style: chr18-3102621-T-G. GRCh37 (hg19) VCF-style: chr18-3102619-T-G.
Other names: c.3140A>C, p.Glu1047Ala (NM_019856.2); short protein forms E1143A, E1047A.
Identifiers: ClinVar variation 1731322 (VCV001731322.5), dbSNP rs199816352, ClinGen allele CA295498409.
Genomic context (GRCh38, chr18:3,102,621, plus strand): 5'-ATCTTATCACACTCGAAGTTCAATGAAATGACTCCATCATCATCCACATTTACAACAACC[T>G]CTTTGGTTCCTACAAGATCAAAAAGAAGGCACTGATACTTCGTGGAGGAAAGCAACCAAG-3'
Protein context (NP_003794.3, residues 1133-1153): VVAETRPGTK[Glu1143Ala]VVVNVDDDGV